The following is an entry in ClinVar:

NM_001365951.3(KIF1B):c.2374G>C (p.Val792Leu)

Gene: KIF1B (kinesin family member 1B; plus strand). Cytogenetic location: 1p36.22.
Variant type: single nucleotide variant.
Coding change: c.2374G>C on transcript NM_001365951.3 (MANE Select); coding-DNA position 2374, G replaced by C.
Protein change: p.Val792Leu; replaces valine 792 with leucine.
Molecular consequence: missense variant.
Genome position (GRCh38, 1-based): chr1:10,323,899, G>C. VCF-style: chr1-10323899-G-C. GRCh37 (hg19) VCF-style: chr1-10383957-G-C.
Other names: c.2374G>C, p.Val792Leu (NM_001365952.1); c.2236G>C, p.Val746Leu (NM_015074.3); short protein forms V746L, V792L.
Identifiers: ClinVar variation 1788194 (VCV001788194.2), dbSNP rs2521622114, ClinGen allele CA338334277.

ClinVar aggregate classification (germline): Uncertain significance (1 of 4 stars; one submission).

Submission:

Ambry Genetics
Classification: Uncertain significance. Last evaluated: 2022-05-01. Review status: criteria provided, single submitter. Criteria: Ambry Variant Classification Scheme 2023. Collection method: clinical testing. Allele origin: germline.
Comment: The p.V746L variant (also known as c.2236G>C), located in coding exon 22 of the KIF1B gene, results from a G to C substitution at nucleotide position 2236. The valine at codon 746 is replaced by leucine, an amino acid with highly similar properties. This amino acid position is conserved. In addition, the in silico prediction for this alteration is inconclusive. Since supporting evidence is limited at this time, the clinical significance of this alteration remains unclear.